The following is an entry in ClinVar:

NM_000263.4(NAGLU):c.2140A>G (p.Arg714Gly)

Gene: NAGLU (N-acetyl-alpha-glucosaminidase; plus strand). Cytogenetic location: 17q21.2.
Variant type: single nucleotide variant.
Coding change: c.2140A>G on transcript NM_000263.4 (MANE Select); coding-DNA position 2140, A replaced by G.
Protein change: p.Arg714Gly; replaces arginine 714 with glycine.
Molecular consequence: missense variant.
Genome position (GRCh38, 1-based): chr17:42,544,146, A>G. VCF-style: chr17-42544146-A-G. GRCh37 (hg19) VCF-style: chr17-40696164-A-G.
Other names: short protein forms R714G.
Identifiers: ClinVar variation 3752006 (VCV003752006.2).

ClinVar aggregate classification (germline): Uncertain significance (1 of 4 stars; one submission).

Conditions:
Charcot-Marie-Tooth disease axonal type 2V. Also called: CHARCOT-MARIE-TOOTH NEUROPATHY, TYPE 2V; CHARCOT-MARIE-TOOTH DISEASE, AXONAL, AUTOSOMAL DOMINANT, TYPE 2V. Identifiers: Orphanet 447964, MedGen C5569050, MONDO:0014665, OMIM 616491.
Mucopolysaccharidosis, MPS-III-B (MPS3B). Also called: N-ACETYL-ALPHA-D-GLUCOSAMINIDASE DEFICIENCY; NAGLU DEFICIENCY; SANFILIPPO SYNDROME B; MPS III B; Mucopolysaccharidosis type IIIB (Sanfilippo B); MUCOPOLYSACCHARIDOSIS, TYPE IIIB. Identifiers: Orphanet 79270, MedGen C0086648, MONDO:0009656, OMIM 252920.

gnomAD v4.1: 2 of 1,613,832 alleles (0.00012%); highest among the groups gnomAD compares: African/African-American, 0.0027%; no homozygotes.

Submission:

Labcorp Genetics (formerly Invitae), Labcorp
Classification: Uncertain significance for Charcot-Marie-Tooth disease axonal type 2V; Mucopolysaccharidosis, MPS-III-B. Last evaluated: 2025-06-12. Review status: criteria provided, single submitter. Criteria: Invitae Variant Classification Sherloc (09022015). Collection method: clinical testing. Allele origin: germline.
Comment: This sequence change replaces arginine, which is basic and polar, with glycine, which is neutral and non-polar, at codon 714 of the NAGLU protein (p.Arg714Gly). This variant is not present in population databases (gnomAD no frequency). This variant has not been reported in the literature in individuals affected with NAGLU-related conditions. ClinVar contains an entry for this variant (Variation ID: 3752006). Invitae Evidence Modeling of protein sequence and biophysical properties (such as structural, functional, and spatial information, amino acid conservation, physicochemical variation, residue mobility, and thermodynamic stability) has been performed for this missense variant. However, the output from this modeling did not meet the statistical confidence thresholds required to predict the impact of this variant on NAGLU protein function. In summary, the available evidence is currently insufficient to determine the role of this variant in disease. Therefore, it has been classified as a Variant of Uncertain Significance.